The following is an entry in ClinVar:

ClinVar aggregate classification (germline): Uncertain significance (1 of 4 stars; one submission).

gnomAD v4.1: 2 of 1,611,762 alleles (0.00012%); highest among the groups gnomAD compares: Non-Finnish European, 0.00017%; no homozygotes.

Submission:

Women's Health and Genetics/Laboratory Corporation of America, LabCorp
Classification: Uncertain significance. Last evaluated: 2025-11-20. Review status: criteria provided, single submitter. Criteria: LabCorp Variant Classification Summary - May 2015. Collection method: clinical testing. Allele origin: germline.
Comment: Variant summary: SLC25A20 c.197A>G (p.Glu66Gly) results in a non-conservative amino acid change in the encoded protein sequence. Algorithms developed to predict the effect of missense changes on protein structure and function are either unavailable or do not agree on the potential impact of this missense change. Several computational tools predict a significant impact on normal splicing: Three predict the variant abolishes a 5' splicing donor site and one predicts the variant weakens a 5' donor site. However, these predictions have yet to be confirmed by functional studies. The variant was absent in 251488 control chromosomes. The available data on variant occurrences in the general population are insufficient to allow any conclusion about variant significance. To our knowledge, no occurrence of c.197A>G in individuals affected with SLC25A20-related conditions and no experimental evidence demonstrating its impact on protein function have been reported. No submitters have cited clinical-significance assessments for this variant to ClinVar. Based on the evidence outlined above, the variant was classified as uncertain significance.

NM_000387.6(SLC25A20):c.197A>G (p.Glu66Gly)

Gene: SLC25A20 (solute carrier family 25 member 20; minus strand). Cytogenetic location: 3p21.31.
Variant type: single nucleotide variant.
Coding change: c.197A>G on transcript NM_000387.6 (MANE Select); coding-DNA position 197, A replaced by G.
Protein change: p.Glu66Gly; replaces glutamic acid 66 with glycine.
Molecular consequence: missense variant.
Genome position (GRCh38, 1-based): chr3:48,891,981, T>C on the plus strand (A>G on the coding strand, the complement: SLC25A20 is on the minus strand). VCF-style: chr3-48891981-T-C. GRCh37 (hg19) VCF-style: chr3-48929414-T-C.
Other names: short protein forms E66G.
Identifiers: ClinVar variation 4537288 (VCV004537288.1).